The following is an entry in ClinVar:

NM_001128225.3(SLC39A13):c.55C>T (p.Leu19Phe)

Gene: SLC39A13 (solute carrier family 39 member 13; plus strand). Cytogenetic location: 11p11.2.
Variant type: single nucleotide variant.
Coding change: c.55C>T on transcript NM_001128225.3 (MANE Select); coding-DNA position 55, C replaced by T.
Protein change: p.Leu19Phe; replaces leucine 19 with phenylalanine.
Molecular consequence: missense variant. On other transcripts: non-coding transcript variant (1).
Genome position (GRCh38, 1-based): chr11:47,410,149, C>T. VCF-style: chr11-47410149-C-T. GRCh37 (hg19) VCF-style: chr11-47431700-C-T.
Other names: c.55C>T, p.Leu19Phe (NM_001330245.2, NM_152264.5); short protein forms L19F.
Identifiers: ClinVar variation 597727 (VCV000597727.9), dbSNP rs61995938, ClinGen allele CA5975652.

ClinVar aggregate classification (germline): Uncertain significance. Review status: criteria provided, multiple submitters, no conflicts (2 of 4 stars). 3 submissions from 3 submitters: Uncertain significance (3). Last evaluated 2026-02-02.

Conditions:
Ehlers-Danlos syndrome, spondylodysplastic type, 3. Also called: Ehlers-Danlos syndrome, spondylocheirodysplastic type. Identifiers: Orphanet 157965, MedGen C2676510, MONDO:0012873, OMIM 612350.

Allele frequency attached by ClinVar (database versions not stated): ExAC 0.00015; ESP Exome Variant Server 0.00023; gnomAD exomes 0.00011; gnomAD 0.00026 and 0.00028; TOPMed 0.00028; 1000 Genomes Project 0.00060; 1000 Genomes Project 30x 0.00062.
gnomAD v4.1: 90 of 1,613,342 alleles (0.0056%); highest among the groups gnomAD compares: African/African-American, 0.1%; no homozygotes.

Submissions (3):

Women's Health and Genetics/Laboratory Corporation of America, LabCorp
Classification: Uncertain significance. Last evaluated: 2026-02-02. Review status: criteria provided, single submitter. Criteria: LabCorp Variant Classification Summary - May 2015. Collection method: clinical testing. Allele origin: germline.
Comment: Variant summary: SLC39A13 c.55C>T (p.Leu19Phe) results in a non-conservative amino acid change in the encoded protein sequence. Algorithms developed to predict the effect of missense changes on protein structure and function are either unavailable or do not agree on the potential impact of this missense change. The variant allele was found at a frequency of 0.00011 in 248182 control chromosomes. This frequency is not significantly higher than estimated for disease-causing variants in SLC39A13, allowing no conclusion about variant significance. To our knowledge, no occurrence of c.55C>T in individuals affected with SLC39A13-related conditions and no experimental evidence demonstrating its impact on protein function have been reported. ClinVar contains an entry for this variant (Variation ID: 597727). Based on the evidence outlined above, the variant was classified as uncertain significance.

Labcorp Genetics (formerly Invitae), Labcorp
Classification: Uncertain significance for Ehlers-Danlos syndrome, spondylodysplastic type, 3. Last evaluated: 2022-08-07. Review status: criteria provided, single submitter. Criteria: Invitae Variant Classification Sherloc (09022015). Collection method: clinical testing. Allele origin: germline.
Comment: This sequence change replaces leucine, which is neutral and non-polar, with phenylalanine, which is neutral and non-polar, at codon 19 of the SLC39A13 protein (p.Leu19Phe). This variant is present in population databases (rs61995938, gnomAD 0.1%). This variant has not been reported in the literature in individuals affected with SLC39A13-related conditions. ClinVar contains an entry for this variant (Variation ID: 597727). Algorithms developed to predict the effect of missense changes on protein structure and function output the following: SIFT: "Tolerated"; PolyPhen-2: "Benign"; Align-GVGD: "Class C0". The phenylalanine amino acid residue is found in multiple mammalian species, which suggests that this missense change does not adversely affect protein function. In summary, the available evidence is currently insufficient to determine the role of this variant in disease. Therefore, it has been classified as a Variant of Uncertain Significance.

Eurofins Ntd Llc (ga)
Classification: Uncertain significance. Last evaluated: 2018-06-29. Review status: criteria provided, single submitter. Criteria: EGL ClinVar v180209 classification definitions. Collection method: clinical testing. Allele origin: germline. Observed: 1 variant allele, 1 heterozygote.